The following is an entry in ClinVar:

ClinVar aggregate classification (germline): Uncertain significance. Review status: criteria provided, multiple submitters, no conflicts (2 of 4 stars). 2 submissions from 2 submitters: Uncertain significance (2). Last evaluated 2026-02-04.

Conditions:
EDNRA-related disorder. Also called: EDNRA-related condition.

Allele frequency attached by ClinVar (database versions not stated): gnomAD exomes 0.00001; gnomAD 0.00008; TOPMed 0.00011.

Submissions (2):

PreventionGenetics, part of Exact Sciences
Classification: Uncertain significance for EDNRA-related condition. Last evaluated: 2026-02-04. Review status: criteria provided, single submitter. Criteria: ACMG Guidelines, 2015. Collection method: clinical testing. Allele origin: germline.
Comment: The EDNRA c.277G>A variant is predicted to result in the amino acid substitution p.Val93Met. To our knowledge, this variant has not been reported in the literature. This variant is reported in 0.012% of alleles in individuals of African descent in gnomAD. At this time, the clinical significance of this variant is uncertain due to the absence of conclusive functional and genetic evidence.

Labcorp Genetics (formerly Invitae), Labcorp
Classification: Uncertain significance. Last evaluated: 2024-11-05. Review status: criteria provided, single submitter. Criteria: Invitae Variant Classification Sherloc (09022015). Collection method: clinical testing. Allele origin: germline.
Comment: This sequence change replaces valine, which is neutral and non-polar, with methionine, which is neutral and non-polar, at codon 93 of the EDNRA protein (p.Val93Met). This variant is present in population databases (no rsID available, gnomAD 0.01%). This variant has not been reported in the literature in individuals affected with EDNRA-related conditions. ClinVar contains an entry for this variant (Variation ID: 2180854). Invitae Evidence Modeling of protein sequence and biophysical properties (such as structural, functional, and spatial information, amino acid conservation, physicochemical variation, residue mobility, and thermodynamic stability) indicates that this missense variant is not expected to disrupt EDNRA protein function with a negative predictive value of 80%. In summary, the available evidence is currently insufficient to determine the role of this variant in disease. Therefore, it has been classified as a Variant of Uncertain Significance.

NM_001957.4(EDNRA):c.277G>A (p.Val93Met)

Gene: EDNRA (endothelin receptor type A; plus strand). Cytogenetic location: 4q31.22.
Variant type: single nucleotide variant.
Coding change: c.277G>A on transcript NM_001957.4 (MANE Select); coding-DNA position 277, G replaced by A.
Protein change: p.Val93Met; replaces valine 93 with methionine.
Molecular consequence: missense variant. On other transcripts: non-coding transcript variant (1).
Genome position (GRCh38, 1-based): chr4:147,485,958, G>A. VCF-style: chr4-147485958-G-A. GRCh37 (hg19) VCF-style: chr4-148407110-G-A.
Other names: c.277G>A, p.Val93Met (NM_001166055.2, NM_001354797.2); c.277G>A (NM_001957.3); short protein forms V93M.
Identifiers: ClinVar variation 2180854 (VCV002180854.5), dbSNP rs867209946, ClinGen allele CA108393481.